The following is an entry in ClinVar:

NM_000138.5(FBN1):c.6832C>T (p.Pro2278Ser)

Gene: FBN1 (fibrillin 1; minus strand). Cytogenetic location: 15q21.1.
Variant type: single nucleotide variant.
Coding change: c.6832C>T on transcript NM_000138.5 (MANE Select); coding-DNA position 6832, C replaced by T.
Protein change: p.Pro2278Ser; replaces proline 2278 with serine.
Molecular consequence: missense variant.
Genome position (GRCh38, 1-based): chr15:48,430,710, G>A on the plus strand (C>T on the coding strand, the complement: FBN1 is on the minus strand). VCF-style: chr15-48430710-G-A. GRCh37 (hg19) VCF-style: chr15-48722907-G-A.
Other names: p.P2278S:CCC>TCC; short protein forms P2278S.
Identifiers: ClinVar variation 36108 (VCV000036108.70), dbSNP rs363835, ClinGen allele CA016751.

ClinVar aggregate classification (germline): Benign/Likely benign. Review status: criteria provided, multiple submitters, no conflicts (2 of 4 stars). 28 submissions from 22 submitters: Benign (13); Likely benign (11). 4 of the submissions do not count toward it. Last evaluated 2026-06-01.

Conditions:
Connective tissue disorder. Also called: Connective tissue disease. Identifiers: MedGen C0009782, MONDO:0003900.
Weill-Marchesani syndrome. Also called: WM Syndrome; Mesodermal dysmorphodystrophy congenital. Identifiers: Orphanet 3449, MedGen C0265313, MONDO:0018096.
Geleophysic dysplasia. Identifiers: Orphanet 2623, MedGen C3489726, MONDO:0000127.
Familial thoracic aortic aneurysm and aortic dissection (TAAD). Also called: Thoracic aortic aneurysms and dissections. Identifiers: Orphanet 91387, MedGen C4707243, MONDO:0019625.
Marfan syndrome (MFS). Also called: MARFAN SYNDROME, TYPE I; Marfan syndrome type 1; Marfan's syndrome; Marfan syndrome, classic; FBN1-Related Marfan Syndrome. Identifiers: Orphanet 284963, Orphanet 558, MedGen C0024796, MONDO:0007947, OMIM 154700.
Acromicric dysplasia (ACMICD). Also called: Acromicric skeletal dysplasia. Identifiers: Orphanet 969, MedGen C0265287, MONDO:0007055, OMIM 102370.
Ectopia lentis 1, isolated, autosomal dominant (ECTOL1). Identifiers: Orphanet 1885, MedGen C3541518, MONDO:0007514, OMIM 129600.
Stiff skin syndrome (SSKS). Identifiers: Orphanet 2833, MedGen C1861456, MONDO:0008492, OMIM 184900.

Allele frequency attached by ClinVar (database versions not stated): TOPMed 0.01036; ESP Exome Variant Server 0.01193; 1000 Genomes Project 0.01358; 1000 Genomes Project 30x 0.01452.
gnomAD v4.1: 3,005 of 1,613,814 alleles (0.19%); highest among the groups gnomAD compares: African/African-American, 3.5%; 49 homozygotes.

Submissions (28):

CeGaT Center for Human Genetics Tuebingen
Classification: Benign. Last evaluated: 2026-06-01. Review status: criteria provided, single submitter. Criteria: CeGaT Center For Human Genetics Tuebingen Variant Classification Criteria Version 2. Collection method: clinical testing. Allele origin: germline. Affected: yes. Observed: 5 variant alleles.
Comment: FBN1: BS1, BS2

Labcorp Genetics (formerly Invitae), Labcorp
Classification: Benign for Marfan syndrome; Familial thoracic aortic aneurysm and aortic dissection. Last evaluated: 2026-02-02. Review status: criteria provided, single submitter. Criteria: Invitae Variant Classification Sherloc (09022015). Collection method: clinical testing. Allele origin: germline.

Molecular Diagnostic Laboratory for Inherited Cardiovascular Disease, Montreal Heart Institute
Classification: Likely benign. Last evaluated: 2025-04-09. Review status: criteria provided, single submitter. Criteria: ACMG Guidelines, 2015. Collection method: clinical testing. Allele origin: germline. Affected: no.
Comment: BS1,BP6

ARUP Laboratories, Molecular Genetics and Genomics, ARUP Laboratories
Classification: Benign. Last evaluated: 2025-04-02. Review status: criteria provided, single submitter. Criteria: ARUP Molecular Germline Variant Investigation Process 2024. Collection method: clinical testing. Allele origin: germline.

All of Us Research Program, National Institutes of Health
Classification: Benign for Marfan syndrome. Last evaluated: 2024-09-27. Review status: criteria provided, single submitter. Criteria: ACMG Guidelines, 2015. Collection method: clinical testing. Allele origin: germline. Inheritance: Autosomal dominant inheritance. Observed: 824 variant alleles, 809 heterozygotes, 15 homozygotes.
Comment: This study involves interpretation of variants in research participants for the purpose of population health screening. Participant phenotype was not available at the time of variant classification. Additional details can be found in publication PMID: 35346344, PMCID: PMC8962531

CHEO Genetics Diagnostic Laboratory, Children's Hospital of Eastern Ontario
Classification: Likely benign for Familial thoracic aortic aneurysm and aortic dissection. Last evaluated: 2022-11-17. Review status: criteria provided, single submitter. Criteria: ACMG Guidelines, 2015. Collection method: clinical testing. Allele origin: germline. Study: Canadian Open Genetics Repository.

Genome Diagnostics Laboratory, The Hospital for Sick Children
Classification: Benign for Connective tissue disorder. Last evaluated: 2021-06-18. Review status: criteria provided, single submitter. Criteria: ACMG Guidelines, 2015. Collection method: clinical testing. Allele origin: germline.

GeneDx
Classification: Benign. Last evaluated: 2018-12-17. Review status: criteria provided, single submitter. Criteria: GeneDx Variant Classification Process June 2021. Collection method: clinical testing. Allele origin: germline. Affected: yes.
Comment: This variant is associated with the following publications: (PMID: 19293843, 27160103, 24793577, 26332594)

Color Diagnostics, LLC DBA Color Health
Classification: Benign for Familial thoracic aortic aneurysm and aortic dissection. Last evaluated: 2018-03-19. Review status: criteria provided, single submitter. Criteria: ACMG Guidelines, 2015. Collection method: clinical testing. Allele origin: germline.

Illumina Laboratory Services, Illumina
Classification: Likely benign for Ectopia lentis 1, isolated, autosomal dominant. Last evaluated: 2018-01-31. Review status: criteria provided, single submitter. Criteria: ICSL Variant Classification Criteria 13 December 2019. Collection method: clinical testing. Allele origin: germline.
Comment: This variant was observed as part of a predisposition screen in an ostensibly healthy population. A literature search was performed for the gene, cDNA change, and amino acid change (where applicable). No publications were found based on this search. Allele frequency data from public databases allowed determination this variant is unlikely to cause disease. Therefore, this variant is classified as likely benign.

Illumina Laboratory Services, Illumina
Classification: Likely benign for Weill-Marchesani syndrome. Last evaluated: 2018-01-31. Review status: criteria provided, single submitter. Criteria: ICSL Variant Classification Criteria 13 December 2019. Collection method: clinical testing. Allele origin: germline.
Comment: the same text as in the submission from Illumina Laboratory Services, Illumina above.

Illumina Laboratory Services, Illumina
Classification: Likely benign for Acromicric dysplasia. Last evaluated: 2018-01-31. Review status: criteria provided, single submitter. Criteria: ICSL Variant Classification Criteria 13 December 2019. Collection method: clinical testing. Allele origin: germline.
Comment: the same text as in the submission from Illumina Laboratory Services, Illumina above.

Illumina Laboratory Services, Illumina
Classification: Likely benign for Stiff skin syndrome. Last evaluated: 2018-01-31. Review status: criteria provided, single submitter. Criteria: ICSL Variant Classification Criteria 13 December 2019. Collection method: clinical testing. Allele origin: germline.
Comment: the same text as in the submission from Illumina Laboratory Services, Illumina above.

Illumina Laboratory Services, Illumina
Classification: Likely benign for Marfan syndrome. Last evaluated: 2018-01-31. Review status: criteria provided, single submitter. Criteria: ICSL Variant Classification Criteria 13 December 2019. Collection method: clinical testing. Allele origin: germline.
Comment: This variant was observed as part of a predisposition screen in an ostensibly healthy population. A literature search was performed for the gene, cDNA change, and amino acid change (where applicable). Publications were found based on this search. The evidence from the literature, in combination with allele frequency data from public databases where available, was sufficient to determine this variant is unlikely to cause disease. Therefore, this variant is classified as likely benign.

Illumina Laboratory Services, Illumina
Classification: Likely benign for Familial thoracic aortic aneurysm and aortic dissection. Last evaluated: 2018-01-31. Review status: criteria provided, single submitter. Criteria: ICSL Variant Classification Criteria 13 December 2019. Collection method: clinical testing. Allele origin: germline.
Comment: the same text as in the submission from Illumina Laboratory Services, Illumina above.

Illumina Laboratory Services, Illumina
Classification: Likely benign for Geleophysic dysplasia. Last evaluated: 2018-01-31. Review status: criteria provided, single submitter. Criteria: ICSL Variant Classification Criteria 13 December 2019. Collection method: clinical testing. Allele origin: germline.
Comment: the same text as in the submission from Illumina Laboratory Services, Illumina above.

Center for Pediatric Genomic Medicine, Children's Mercy Hospital and Clinics
Classification: Benign. Last evaluated: 2017-03-31. Review status: criteria provided, single submitter. Criteria: ACMG Guidelines, 2015. Collection method: clinical testing. Allele origin: germline.

Eurofins Ntd Llc (ga)
Classification: Benign. Last evaluated: 2017-03-13. Review status: criteria provided, single submitter. Criteria: EGL Classification Definitions 2015. Collection method: clinical testing. Allele origin: germline. Observed: 1 variant allele, 1 heterozygote.

Center for Human Genetics, Inc
Classification: Likely benign for Connective tissue disorder. Last evaluated: 2016-11-01. Review status: criteria provided, single submitter. Criteria: ACMG Guidelines, 2015. Collection method: clinical testing. Allele origin: germline. Affected: yes.

Mayo Clinic Laboratories, Mayo Clinic
Classification: Benign. Last evaluated: 2016-03-22. Review status: criteria provided, single submitter. Criteria: ACMG Guidelines, 2015. Collection method: clinical testing. Allele origin: germline. Observed: 8 variant alleles.

Ambry Genetics
Classification: Benign for Familial thoracic aortic aneurysm and aortic dissection. Last evaluated: 2015-01-02. Review status: criteria provided, single submitter. Criteria: Ambry Variant Classification Scheme 2023. Collection method: clinical testing. Allele origin: germline.

Laboratory for Molecular Medicine, Mass General Brigham Personalized Medicine
Classification: Benign. Last evaluated: 2012-10-04. Review status: criteria provided, single submitter. Criteria: LMM Criteria. Collection method: clinical testing. Allele origin: germline. Observed: 5 variant alleles.
Comment: Pro2278Ser in exon 55 of FBN1: This variant is not expected to have clinical sig nificance because it has been identified in 3.5% (155/4396) of African American chromosomes from a broad population by the NHLBI Exome Sequencing Project (dbSNP rs363835).

Breakthrough Genomics
Classification: Likely benign. Review status: criteria provided, single submitter. Criteria: ACMG Guidelines, 2015. Collection method: not provided. Allele origin: germline. Inheritance: Autosomal dominant inheritance. Affected: yes.

PreventionGenetics, part of Exact Sciences
Classification: Benign. Review status: criteria provided, single submitter. Criteria: ACMG Guidelines, 2015. Collection method: clinical testing. Allele origin: germline.

Women's Health and Genetics/Laboratory Corporation of America, LabCorp
Classification: Benign for Marfan's syndrome. Last evaluated: 2012-03-07. Review status: no assertion criteria provided. Collection method: clinical testing. Allele origin: germline. Not counted in ClinVar's aggregate classification.

Genome Diagnostics Laboratory, Amsterdam University Medical Center
Classification: Likely benign. Review status: no assertion criteria provided. Collection method: clinical testing. Allele origin: germline. Affected: yes. Study: VKGL Data-share Consensus. Not counted in ClinVar's aggregate classification.

Genome Diagnostics Laboratory, University Medical Center Utrecht
Classification: Likely benign. Review status: no assertion criteria provided. Collection method: clinical testing. Allele origin: germline. Affected: yes. Study: VKGL Data-share Consensus. Not counted in ClinVar's aggregate classification.

Laboratory of Diagnostic Genome Analysis, Leiden University Medical Center (LUMC)
Classification: Likely benign. Review status: no assertion criteria provided. Collection method: clinical testing. Allele origin: germline. Affected: yes. Study: VKGL Data-share Consensus. Not counted in ClinVar's aggregate classification.

Literature cited by the submitters: PubMed 19293843 (cited by Illumina Laboratory Services, Illumina); PubMed 23653584 (cited by Illumina Laboratory Services, Illumina); PubMed 11875032 (cited by Illumina Laboratory Services, Illumina).